The following is an entry in ClinVar:

NM_001042492.3(NF1):c.4543C>A (p.Gln1515Lys)

Gene: NF1 (neurofibromin 1; plus strand). Cytogenetic location: 17q11.2.
Variant type: single nucleotide variant.
Coding change: c.4543C>A on transcript NM_001042492.3 (MANE Select); coding-DNA position 4543, C replaced by A.
Protein change: p.Gln1515Lys; replaces glutamine 1515 with lysine.
Molecular consequence: missense variant.
Genome position (GRCh38, 1-based): chr17:31,260,481, C>A. VCF-style: chr17-31260481-C-A. GRCh37 (hg19) VCF-style: chr17-29587499-C-A.
Other names: c.4480C>A, p.Gln1494Lys (NM_000267.4); short protein forms Q1515K, Q1494K.
Identifiers: ClinVar variation 3634556 (VCV003634556.2).

ClinVar aggregate classification (germline): Uncertain significance (1 of 4 stars; one submission).

Conditions:
Neurofibromatosis, type 1 (NF1). Also called: VON RECKLINGHAUSEN DISEASE; Peripheral type neurofibromatosis; NEUROFIBROMATOSIS, TYPE I, SOMATIC; Neurofibromatosis, type I. Identifiers: Orphanet 636, MedGen C0027831, MONDO:0018975, OMIM 162200. Disease mechanism: loss of function.

Submission:

Labcorp Genetics (formerly Invitae), Labcorp
Classification: Uncertain significance for Neurofibromatosis, type 1. Last evaluated: 2024-02-06. Review status: criteria provided, single submitter. Criteria: Invitae Variant Classification Sherloc (09022015). Collection method: clinical testing. Allele origin: germline.
Comment: This sequence change replaces glutamine, which is neutral and polar, with lysine, which is basic and polar, at codon 1494 of the NF1 protein (p.Gln1494Lys). This variant is not present in population databases (gnomAD no frequency). This variant has not been reported in the literature in individuals affected with NF1-related conditions. Advanced modeling of protein sequence and biophysical properties (such as structural, functional, and spatial information, amino acid conservation, physicochemical variation, residue mobility, and thermodynamic stability) performed at Invitae indicates that this missense variant is expected to disrupt NF1 protein function with a positive predictive value of 95%. This variant disrupts the p.Gln1494 amino acid residue in NF1. Other variant(s) that disrupt this residue have been determined to be pathogenic (PMID: 26635368). This suggests that this residue is clinically significant, and that variants that disrupt this residue are likely to be disease-causing. In summary, the available evidence is currently insufficient to determine the role of this variant in disease. Therefore, it has been classified as a Variant of Uncertain Significance.

Literature cited by the submitters: PubMed 26635368.